The following is an entry in ClinVar:

NM_003482.4(KMT2D):c.1908_1910dup (p.Pro639_Glu640insPro)

Gene: KMT2D (lysine methyltransferase 2D; minus strand). Cytogenetic location: 12q13.12.
Variant type: Duplication.
Coding change: c.1908_1910dup on transcript NM_003482.4 (MANE Select); coding-DNA positions 1908 to 1910, 3 bases duplicated (CCC; older notation c.1908_1910dupCCC).
Protein change: p.Pro639_Glu640insPro.
Molecular consequence: inframe insertion.
Genome position (GRCh38, 1-based): chr12:49,051,773-49,051,775, GGG duplicated on the plus strand (CCC on the coding strand, the reverse complement: KMT2D is on the minus strand); duplicating any 3 consecutive bases within chr12:49,051,773-49,051,776 gives the same sequence; the c. name uses the placement nearest the transcript's 3' end. VCF-style (leftmost placement, unchanged base first): chr12-49051772-T-TGGG. GRCh37 (hg19) VCF-style: chr12-49445555-T-TGGG.
Identifiers: ClinVar variation 3608194 (VCV003608194.2).

ClinVar aggregate classification (germline): Uncertain significance (1 of 4 stars; one submission).

Conditions:
Kabuki syndrome. Also called: NIIKAWA-KUROKI SYNDROME; Kabuki make-up syndrome. Identifiers: Orphanet 2322, MedGen C0796004, MONDO:0016512.

Submission:

Labcorp Genetics (formerly Invitae), Labcorp
Classification: Uncertain significance for Kabuki syndrome. Last evaluated: 2024-02-22. Review status: criteria provided, single submitter. Criteria: Invitae Variant Classification Sherloc (09022015). Collection method: clinical testing. Allele origin: germline.
Comment: This variant, c.1908_1910dup, results in the insertion of 1 amino acid(s) of the KMT2D protein (p.Pro639dup), but otherwise preserves the integrity of the reading frame. This variant is not present in population databases (gnomAD no frequency). This variant has not been reported in the literature in individuals affected with KMT2D-related conditions. In summary, the available evidence is currently insufficient to determine the role of this variant in disease. Therefore, it has been classified as a Variant of Uncertain Significance.